The following is an entry in ClinVar:

ClinVar aggregate classification (germline): Uncertain significance. Review status: criteria provided, multiple submitters, no conflicts (2 of 4 stars). 2 submissions from 2 submitters: Uncertain significance (2). Last evaluated 2025-11-23.

Conditions:
Inborn genetic diseases. Identifiers: MedGen C0950123, MeSH D030342.

Allele frequency attached by ClinVar (database versions not stated): gnomAD exomes below 0.00001; gnomAD 0.00001; TOPMed 0.00001.

Submissions (2):

Labcorp Genetics (formerly Invitae), Labcorp
Classification: Uncertain significance. Last evaluated: 2025-11-23. Review status: criteria provided, single submitter. Criteria: Invitae Variant Classification Sherloc (09022015). Collection method: clinical testing. Allele origin: germline.
Comment: This sequence change replaces serine, which is neutral and polar, with asparagine, which is neutral and polar, at codon 152 of the CFB protein (p.Ser152Asn). This variant is not present in population databases (gnomAD no frequency). This variant has not been reported in the literature in individuals affected with CFB-related conditions. ClinVar contains an entry for this variant (Variation ID: 2714810). Invitae Evidence Modeling of protein sequence and biophysical properties (such as structural, functional, and spatial information, amino acid conservation, physicochemical variation, residue mobility, and thermodynamic stability) indicates that this missense variant is not expected to disrupt CFB protein function with a negative predictive value of 80%. In summary, the available evidence is currently insufficient to determine the role of this variant in disease. Therefore, it has been classified as a Variant of Uncertain Significance.

Ambry Genetics
Classification: Uncertain significance for Inborn genetic diseases. Last evaluated: 2024-12-12. Review status: criteria provided, single submitter. Criteria: Ambry Variant Classification Scheme 2023. Collection method: clinical testing. Allele origin: germline.

NM_001710.6(CFB):c.455G>A (p.Ser152Asn)

Gene: CFB (complement factor B; plus strand). Cytogenetic location: 6p21.33.
Variant type: single nucleotide variant.
Coding change: c.455G>A on transcript NM_001710.6 (MANE Select); coding-DNA position 455, G replaced by A.
Protein change: p.Ser152Asn; replaces serine 152 with asparagine.
Molecular consequence: missense variant.
Genome position (GRCh38, 1-based): chr6:31,947,163, G>A. VCF-style: chr6-31947163-G-A. GRCh37 (hg19) VCF-style: chr6-31914940-G-A.
Other names: short protein forms S152N.
Identifiers: ClinVar variation 2714810 (VCV002714810.4), dbSNP rs1305039535, ClinGen allele CA363391539.
Genomic context (GRCh38, chr6:31,947,163, plus strand): 5'-ATGACGGTTACACTCTCCGGGGCTCTGCCAATCGCACCTGCCAAGTGAATGGCCGATGGA[G>A]TGGGCAGACAGCGATCTGTGACAACGGAGGTGAGAAGCATCCCCTCCCCCTACATTGCTG-3'
Protein context (NP_001701.2, residues 142-162): NRTCQVNGRW[Ser152Asn]GQTAICDNGA